The following is an entry in ClinVar:

ClinVar aggregate classification (germline): Likely benign. Review status: criteria provided, multiple submitters, no conflicts (2 of 4 stars). 2 submissions from 2 submitters: Likely benign (2). Last evaluated 2023-03-23.

Conditions:
Hereditary cancer-predisposing syndrome. Also called: Hereditary neoplastic syndrome; Neoplastic Syndromes, Hereditary; Tumor predisposition; Hereditary Cancer Syndrome. Identifiers: Orphanet 140162, MedGen C0027672, MeSH D009386, MONDO:0015356.
Hereditary breast ovarian cancer syndrome. Also called: Hereditary breast and ovarian cancer syndrome (HBOC); BRCA1- and BRCA2-Associated Hereditary Breast and Ovarian Cancer; Hereditary breast and ovarian cancer syndrome; Breast and ovarian cancer; Hereditary breast and ovarian cancer; Hereditary breast and/or ovarian cancer syndrome. Identifiers: Orphanet 145, MedGen C0677776, MeSH D061325, MONDO:0003582. Disease mechanism: loss of function.

Submissions (2):

University of Washington Department of Laboratory Medicine, University of Washington
Classification: Likely benign for Hereditary cancer-predisposing syndrome. Last evaluated: 2023-03-23. Review status: criteria provided, single submitter. Criteria: Dines et al. (Genet Med. 2020). Collection method: curation. Allele origin: germline.
Comment: Missense variant in a coldspot region where missense variants are very unlikely to be pathogenic (PMID:31911673).

BRCA2 exon 11 coldspot. Reclassification based on statistical prior probability.

Labcorp Genetics (formerly Invitae), Labcorp
Classification: Likely benign for Hereditary breast ovarian cancer syndrome. Last evaluated: 2020-02-23. Review status: criteria provided, single submitter. Criteria: Invitae Variant Classification Sherloc (09022015). Collection method: clinical testing. Allele origin: germline.

NM_000059.4(BRCA2):c.3773T>G (p.Ile1258Arg)

Gene: BRCA2 (BRCA2 DNA repair associated; plus strand). Cytogenetic location: 13q13.1.
Variant type: single nucleotide variant.
Coding change: c.3773T>G on transcript NM_000059.4 (MANE Select); coding-DNA position 3773, T replaced by G.
Protein change: p.Ile1258Arg; replaces isoleucine 1258 with arginine.
Molecular consequence: missense variant.
Genome position (GRCh38, 1-based): chr13:32,338,128, T>G. VCF-style: chr13-32338128-T-G. GRCh37 (hg19) VCF-style: chr13-32912265-T-G.
Other names: short protein forms I1258R.
Identifiers: ClinVar variation 531276 (VCV000531276.10), dbSNP rs776157715, ClinGen allele CA387778277.